The following is an entry in ClinVar:

NM_000455.5(STK11):c.775A>G (p.Asn259Asp)

Gene: STK11 (serine/threonine kinase 11; plus strand). Cytogenetic location: 19p13.3.
Variant type: single nucleotide variant.
Coding change: c.775A>G on transcript NM_000455.5 (MANE Select); coding-DNA position 775, A replaced by G.
Protein change: p.Asn259Asp; replaces asparagine 259 with aspartic acid.
Molecular consequence: missense variant.
Genome position (GRCh38, 1-based): chr19:1,221,253, A>G. VCF-style: chr19-1221253-A-G. GRCh37 (hg19) VCF-style: chr19-1221252-A-G.
Other names: short protein forms N259D.
Identifiers: ClinVar variation 1039884 (VCV001039884.6), dbSNP rs2080781890, ClinGen allele CA402950450.

ClinVar aggregate classification (germline): Uncertain significance (1 of 4 stars; one submission).

Conditions:
Peutz-Jeghers syndrome (PJS). Also called: POLYPOSIS, HAMARTOMATOUS INTESTINAL; POLYPS-AND-SPOTS SYNDROME; Peutz-Jeghers polyposis; Periorificial lentiginosis syndrome. Identifiers: Orphanet 2869, MedGen C0031269, MeSH D010580, MONDO:0008280, OMIM 175200.

Allele frequency attached by ClinVar (database versions not stated): gnomAD exomes below 0.00001.
gnomAD v4.1: 1 of 1,612,534 alleles (0.000062%); highest among the groups gnomAD compares: Non-Finnish European, 0.000085%; no homozygotes.

Submission:

Labcorp Genetics (formerly Invitae), Labcorp
Classification: Uncertain significance for Peutz-Jeghers syndrome. Last evaluated: 2021-09-01. Review status: criteria provided, single submitter. Criteria: Invitae Variant Classification Sherloc (09022015). Collection method: clinical testing. Allele origin: germline.
Comment: This sequence change replaces asparagine with aspartic acid at codon 259 of the STK11 protein (p.Asn259Asp). The asparagine residue is highly conserved and there is a small physicochemical difference between asparagine and aspartic acid. This variant is not present in population databases (ExAC no frequency). This variant has not been reported in the literature in individuals affected with STK11-related conditions. Algorithms developed to predict the effect of missense changes on protein structure and function are either unavailable or do not agree on the potential impact of this missense change (SIFT: "Tolerated"; PolyPhen-2: "Probably Damaging"; Align-GVGD: "Class C0"). In summary, the available evidence is currently insufficient to determine the role of this variant in disease. Therefore, it has been classified as a Variant of Uncertain Significance.